The following is an entry in ClinVar:

NM_201384.3(PLEC):c.4451A>C (p.Glu1484Ala)

Gene: PLEC (plectin; minus strand). Cytogenetic location: 8q24.3.
Variant type: single nucleotide variant.
Coding change: c.4451A>C on transcript NM_201384.3 (MANE Select); coding-DNA position 4451, A replaced by C.
Protein change: p.Glu1484Ala; replaces glutamic acid 1484 with alanine.
Molecular consequence: missense variant.
Genome position (GRCh38, 1-based): chr8:143,925,478, T>G on the plus strand (A>C on the coding strand, the complement: PLEC is on the minus strand). VCF-style: chr8-143925478-T-G. GRCh37 (hg19) VCF-style: chr8-144999646-T-G.
Other names: c.4532A>C (NM_000445.3); c.4532A>C, p.Glu1511Ala (NM_000445.5); c.4409A>C, p.Glu1470Ala (NM_201378.4); c.4385A>C, p.Glu1462Ala (NM_201379.3); c.4862A>C, p.Glu1621Ala (NM_201380.4); c.4355A>C, p.Glu1452Ala (NM_201381.3); c.4451A>C, p.Glu1484Ala (NM_201382.4); c.4463A>C, p.Glu1488Ala (NM_201383.3); short protein forms E1452A, E1462A, E1470A, E1484A, E1488A, E1511A, E1621A.
Identifiers: ClinVar variation 499630 (VCV000499630.15), dbSNP rs782034460, ClinGen allele CA4926653.

ClinVar aggregate classification (germline): Uncertain significance. Review status: criteria provided, multiple submitters, no conflicts (2 of 4 stars). 5 submissions from 5 submitters: Uncertain significance (5). Last evaluated 2026-02-01.

Conditions:
Epidermolysis bullosa simplex 5B, with muscular dystrophy (EBS5B). Also called: EPIDERMOLYSIS BULLOSA SIMPLEX AND LIMB-GIRDLE MUSCULAR DYSTROPHY; Epidermolysis bullosa simplex with muscular dystrophy. Identifiers: Orphanet 257, MedGen C2931072, MONDO:0009181, OMIM 226670.
Autosomal recessive limb-girdle muscular dystrophy type 2Q (LGMDR17). Also called: MUSCULAR DYSTROPHY, LIMB-GIRDLE, AUTOSOMAL RECESSIVE 17. Identifiers: Orphanet 254361, MedGen C3150989, MONDO:0013390, OMIM 613723.
Epidermolysis bullosa simplex, Ogna type (EBS5A). Also called: Pidermolysis bullosa simplex 5A, Ogna type; EPIDERMOLYSIS BULLOSA SIMPLEX 5A, OGNA TYPE. Identifiers: Orphanet 79401, MedGen C0432317, MONDO:0007555, OMIM 131950.
Epidermolysis bullosa simplex with nail dystrophy (EBS5D). Identifiers: MedGen C4225309, MONDO:0014661, OMIM 616487.
Epidermolysis bullosa simplex 5C, with pyloric atresia (EBS5C). Also called: PLEC-Related Epidermolysis Bullosa with Pyloric Atresia; Epidermolysis bullosa simplex with pyloric atresia; PLEC1-Related Epidermolysis Bullosa with Pyloric Atresia. Identifiers: Orphanet 158684, MedGen C2677349, MONDO:0012807, OMIM 612138.
Inborn genetic diseases. Identifiers: MedGen C0950123, MeSH D030342.

Allele frequency attached by ClinVar (database versions not stated): TOPMed 0.00003; gnomAD 0.00004 and 0.00007.

Submissions (5):

Labcorp Genetics (formerly Invitae), Labcorp
Classification: Uncertain significance for Autosomal recessive limb-girdle muscular dystrophy type 2Q; Epidermolysis bullosa simplex, Ogna type; Epidermolysis bullosa simplex with nail dystrophy; Epidermolysis bullosa simplex 5C, with pyloric atresia; Epidermolysis bullosa simplex 5B, with muscular dystrophy. Last evaluated: 2026-02-01. Review status: criteria provided, single submitter. Criteria: Invitae Variant Classification Sherloc (09022015). Collection method: clinical testing. Allele origin: germline.
Comment: This sequence change replaces glutamic acid, which is acidic and polar, with alanine, which is neutral and non-polar, at codon 1511 of the PLEC protein (p.Glu1511Ala). This variant is present in population databases (rs782034460, gnomAD 0.006%). This variant has not been reported in the literature in individuals affected with PLEC-related conditions. ClinVar contains an entry for this variant (Variation ID: 499630). Invitae Evidence Modeling of protein sequence and biophysical properties (such as structural, functional, and spatial information, amino acid conservation, physicochemical variation, residue mobility, and thermodynamic stability) has been performed for this missense variant. However, the output from this modeling did not meet the statistical confidence thresholds required to predict the impact of this variant on PLEC protein function. In summary, the available evidence is currently insufficient to determine the role of this variant in disease. Therefore, it has been classified as a Variant of Uncertain Significance.

Blueprint Genetics
Classification: Uncertain significance. Last evaluated: 2024-10-23. Review status: criteria provided, single submitter. Criteria: ACMG Guidelines, 2015. Collection method: clinical testing. Allele origin: germline.

Ambry Genetics
Classification: Uncertain significance for Inborn genetic diseases. Last evaluated: 2024-07-31. Review status: criteria provided, single submitter. Criteria: Ambry Variant Classification Scheme 2023. Collection method: clinical testing. Allele origin: germline.

Revvity Omics, Revvity
Classification: Uncertain significance. Last evaluated: 2022-04-01. Review status: criteria provided, single submitter. Criteria: ACMG Guidelines, 2015. Collection method: clinical testing. Allele origin: germline.

Eurofins Ntd Llc (ga)
Classification: Uncertain significance. Last evaluated: 2017-01-04. Review status: criteria provided, single submitter. Criteria: EGL Classification Definitions 2015. Collection method: clinical testing. Allele origin: germline. Observed: 1 variant allele, 1 heterozygote.